The following is an entry in ClinVar:

ClinVar aggregate classification (germline): Conflicting classifications of pathogenicity. Review status: criteria provided, conflicting classifications (1 of 4 stars). 6 submissions from 6 submitters: Uncertain significance (5); Likely benign (1). Last evaluated 2026-01-28.

Conditions:
Familial adenomatous polyposis 3. Also called: NTHL1-Related Adenomatous Polyposis and Colorectal Cancer; NTHL1-associated polyposis; NTHL1-related attenuated familial adenomatous polyposis; NTHL1 Tumor Syndrome. Identifiers: Orphanet 220460, Orphanet 454840, MedGen C4225157, MONDO:0014630, OMIM 616415.
Hereditary cancer-predisposing syndrome. Also called: Tumor predisposition; Neoplastic Syndromes, Hereditary; Hereditary Cancer Syndrome; Hereditary neoplastic syndrome. Identifiers: Orphanet 140162, MedGen C0027672, MeSH D009386, MONDO:0015356.

Allele frequency attached by ClinVar (database versions not stated): TOPMed 0.00006; gnomAD 0.00010; 1000 Genomes Project 30x 0.00031; 1000 Genomes Project 0.00040.
gnomAD v4.1: 43 of 1,607,480 alleles (0.0027%); highest among the groups gnomAD compares: East Asian, 0.089%; 1 homozygote.

Submissions (6):

Labcorp Genetics (formerly Invitae), Labcorp
Classification: Uncertain significance. Last evaluated: 2026-01-28. Review status: criteria provided, single submitter. Criteria: Invitae Variant Classification Sherloc (09022015). Collection method: clinical testing. Allele origin: germline.
Comment: This sequence change replaces leucine, which is neutral and non-polar, with valine, which is neutral and non-polar, at codon 301 of the NTHL1 protein (p.Leu301Val). This variant is present in population databases (rs200420874, gnomAD 0.1%). This variant has not been reported in the literature in individuals affected with NTHL1-related conditions. ClinVar contains an entry for this variant (Variation ID: 657834). An algorithm developed to predict the effect of missense changes on protein structure and function (PolyPhen-2) suggests that this variant is likely to be tolerated. In summary, the available evidence is currently insufficient to determine the role of this variant in disease. Therefore, it has been classified as a Variant of Uncertain Significance.

Quest Diagnostics Nichols Institute San Juan Capistrano
Classification: Uncertain significance. Last evaluated: 2025-03-24. Review status: criteria provided, single submitter. Criteria: Quest Diagnostics criteria. Collection method: clinical testing. Allele origin: unknown.
Comment: The NTHL1 c.901C>G (p.Leu301Val) variant has been reported in the published literature in an individual with colon adenomatous polyps and advanced rectal cancer (PMID: 27217144 (2016)). The frequency of this variant in the general population (Genome Aggregation Database) is higher than would generally be expected for pathogenic variants in this gene. Analysis of this variant using bioinformatics tools for the prediction of the effect of amino acid changes on protein structure and function yielded predictions that this variant is benign. Based on the available information, we are unable to determine the clinical significance of this variant.

Fulgent Genetics
Classification: Uncertain significance for Familial adenomatous polyposis 3. Last evaluated: 2024-04-23. Review status: criteria provided, single submitter. Criteria: ACMG Guidelines, 2015. Collection method: clinical testing. Allele origin: germline.

Baylor Genetics
Classification: Uncertain significance for Familial adenomatous polyposis 3. Last evaluated: 2024-02-09. Review status: criteria provided, single submitter. Criteria: ACMG Guidelines, 2015. Collection method: clinical testing. Allele origin: unknown.

Department of Pathology and Laboratory Medicine, Sinai Health System
Classification: Uncertain significance for Familial adenomatous polyposis 3. Last evaluated: 2023-01-06. Review status: criteria provided, single submitter. Criteria: ACMG Guidelines, 2015. Collection method: clinical testing. Allele origin: germline. Affected: yes.

Ambry Genetics
Classification: Likely benign for Hereditary cancer-predisposing syndrome. Last evaluated: 2021-09-08. Review status: criteria provided, single submitter. Criteria: Ambry Variant Classification Scheme 2023. Collection method: clinical testing. Allele origin: germline.

Literature cited by the submitters: PubMed 27217144 (cited by Quest Diagnostics Nichols Institute San Juan Capistrano).

NM_002528.7(NTHL1):c.877C>G (p.Leu293Val)

Gene: NTHL1 (nth like DNA glycosylase 1; minus strand). Cytogenetic location: 16p13.3.
Variant type: single nucleotide variant.
Coding change: c.877C>G on transcript NM_002528.7 (MANE Select); coding-DNA position 877, C replaced by G.
Protein change: p.Leu293Val; replaces leucine 293 with valine.
Molecular consequence: missense variant.
Genome position (GRCh38, 1-based): chr16:2,039,962, G>C on the plus strand (C>G on the coding strand, the complement: NTHL1 is on the minus strand). VCF-style: chr16-2039962-G-C. GRCh37 (hg19) VCF-style: chr16-2089963-G-C.
Other names: c.706C>G, p.Leu236Val (NM_001318193.2); c.877C>G, p.Leu293Val (LRG_1366t1); c.547C>G, p.Leu183Val (NM_001318194.2); short protein forms L293V, L183V, L236V.
Identifiers: ClinVar variation 657834 (VCV000657834.18), dbSNP rs200420874, ClinGen allele CA7828072.